The following is an entry in ClinVar:

NM_006197.4(PCM1):c.2655-4C>G

Gene: PCM1 (pericentriolar material 1; plus strand). Cytogenetic location: 8p22.
Variant type: single nucleotide variant.
Coding change: c.2655-4C>G on transcript NM_006197.4 (MANE Select); 4 bases into the intron before coding-DNA position 2655, C replaced by G.
Molecular consequence: intron variant.
Genome position (GRCh38, 1-based): chr8:17,964,564, C>G. VCF-style: chr8-17964564-C-G. GRCh37 (hg19) VCF-style: chr8-17822073-C-G.
Other names: NC_000008.10:g.17822073C>G; c.2772-4C>G (NM_001352633.2, NM_001352650.2, NM_001352632.2 and 4 more transcripts); c.2658-4C>G (NM_001352635.2, NM_001352648.2, NM_001352640.2 and 2 more transcripts); c.2655-4C>G (NM_001352653.2, NM_001352645.2, NM_001352642.2 and 13 more transcripts); c.2775-4C>G (NM_001352636.2).
Identifiers: ClinVar variation 3048257 (VCV003048257.3), dbSNP rs181840800, ClinGen allele CA4649197.

ClinVar aggregate classification (germline): Likely benign (0 of 4 stars; one submission).

Conditions:
PCM1-related disorder. Also called: PCM1-related condition.

Allele frequency attached by ClinVar (database versions not stated): gnomAD exomes 0.00013; ExAC 0.00035; 1000 Genomes Project 30x 0.00078; ESP Exome Variant Server 0.00091; 1000 Genomes Project 0.00100; gnomAD 0.00109; TOPMed 0.00135.
gnomAD v4.1: 358 of 1,611,166 alleles (0.022%); highest among the groups gnomAD compares: African/African-American, 0.42%; 1 homozygote.

Submissions (3):

PreventionGenetics, part of Exact Sciences
Classification: Likely benign for PCM1-related condition. Last evaluated: 2022-03-17. Review status: no assertion criteria provided. Collection method: clinical testing. Allele origin: germline.
Comment: This variant is classified as likely benign based on ACMG/AMP sequence variant interpretation guidelines (Richards et al. 2015 PMID: 25741868, with internal and published modifications).

Dr. Peter K. Rogan Lab, Western University
No classification provided (evidence only). Condition: Lung cancer. Review status: no classification provided. Collection method: in vitro. Allele origin: not applicable. Functional consequence: retained intron. Not counted in ClinVar's aggregate classification.

Dr. Peter K. Rogan Lab, Western University
No classification provided (evidence only). Condition: Ovarian serous cystadenocarcinoma. Review status: no classification provided. Collection method: in vitro. Allele origin: not applicable. Functional consequence: retained intron. Not counted in ClinVar's aggregate classification.